The following is an entry in ClinVar:

NM_004551.3(NDUFS3):c.653G>A (p.Arg218Gln)

Gene: NDUFS3 (NADH:ubiquinone oxidoreductase core subunit S3; plus strand). Cytogenetic location: 11p11.2.
Variant type: single nucleotide variant.
Coding change: c.653G>A on transcript NM_004551.3 (MANE Select); coding-DNA position 653, G replaced by A.
Protein change: p.Arg218Gln; replaces arginine 218 with glutamine.
Molecular consequence: missense variant.
Genome position (GRCh38, 1-based): chr11:47,584,339, G>A. VCF-style: chr11-47584339-G-A. GRCh37 (hg19) VCF-style: chr11-47605891-G-A.
Other names: short protein forms R218Q.
Identifiers: ClinVar variation 1426714 (VCV001426714.5), dbSNP rs78121716, ClinGen allele CA5978066.

ClinVar aggregate classification (germline): Uncertain significance (1 of 4 stars; one submission).

Allele frequency attached by ClinVar (database versions not stated): gnomAD 0.00001; TOPMed 0.00001; gnomAD exomes 0.00002 and 0.00004; ExAC 0.00004; 1000 Genomes Project 30x 0.00016; 1000 Genomes Project 0.00020.
gnomAD v4.1: 33 of 1,614,012 alleles (0.002%); highest among the groups gnomAD compares: Admixed American, 0.012%; no homozygotes.

Submission:

Labcorp Genetics (formerly Invitae), Labcorp
Classification: Uncertain significance. Last evaluated: 2021-09-09. Review status: criteria provided, single submitter. Criteria: Invitae Variant Classification Sherloc (09022015). Collection method: clinical testing. Allele origin: germline.
Comment: This sequence change replaces arginine with glutamine at codon 218 of the NDUFS3 protein (p.Arg218Gln). The arginine residue is highly conserved and there is a small physicochemical difference between arginine and glutamine. This variant is present in population databases (rs78121716, ExAC 0.02%). This variant has not been reported in the literature in individuals affected with NDUFS3-related conditions. Algorithms developed to predict the effect of missense changes on protein structure and function (SIFT, PolyPhen-2, Align-GVGD) all suggest that this variant is likely to be disruptive. In summary, the available evidence is currently insufficient to determine the role of this variant in disease. Therefore, it has been classified as a Variant of Uncertain Significance.